The following is an entry in ClinVar:

NM_000085.5(CLCNKB):c.673G>T (p.Glu225Ter)

Genes: CLCNKB (chloride voltage-gated channel Kb; plus strand), LOC106501713 (CLCNKB recombination region; plus strand). Cytogenetic location: 1p36.13.
Variant type: single nucleotide variant.
Coding change: c.673G>T on transcript NM_000085.5 (MANE Select); coding-DNA position 673, G replaced by T.
Protein change: p.Glu225Ter; replaces glutamic acid 225 with a stop codon.
Molecular consequence: nonsense.
Genome position (GRCh38, 1-based): chr1:16,049,137, G>T. VCF-style: chr1-16049137-G-T. GRCh37 (hg19) VCF-style: chr1-16375632-G-T.
Other names: c.166G>T, p.Glu56Ter (NM_001165945.2); short protein forms E225*, E56*.
Identifiers: ClinVar variation 801446 (VCV000801446.6), dbSNP rs1570334344, ClinGen allele CA338637102.

ClinVar aggregate classification (germline): Pathogenic. Review status: criteria provided, multiple submitters, no conflicts (2 of 4 stars). 2 submissions from 2 submitters: Pathogenic (2). Last evaluated 2022-11-01.

Conditions:
Bartter disease type 3. Also called: Bartter syndrome type 3. Identifiers: Orphanet 112, Orphanet 93605, MedGen C1846343, MONDO:0011822, OMIM 607364.

Submissions (2):

Labcorp Genetics (formerly Invitae), Labcorp
Classification: Pathogenic. Last evaluated: 2022-11-01. Review status: criteria provided, single submitter. Criteria: Invitae Variant Classification Sherloc (09022015). Collection method: clinical testing. Allele origin: germline.
Comment: This variant is not present in population databases (gnomAD no frequency). This sequence change creates a premature translational stop signal (p.Glu225*) in the CLCNKB gene. It is expected to result in an absent or disrupted protein product. Loss-of-function variants in CLCNKB are known to be pathogenic (PMID: 24830959, 26920127, 28381550, 29254190). This variant has not been reported in the literature in individuals affected with CLCNKB-related conditions. Algorithms developed to predict the effect of sequence changes on RNA splicing suggest that this variant may create or strengthen a splice site. ClinVar contains an entry for this variant (Variation ID: 801446). For these reasons, this variant has been classified as Pathogenic.

Mendelics
Classification: Pathogenic for Bartter disease type 3. Last evaluated: 2019-05-28. Review status: criteria provided, single submitter. Criteria: Mendelics Assertion Criteria 2017. Collection method: clinical testing. Allele origin: unknown.

Literature cited by the submitters: PubMed 24830959 (cited by Labcorp Genetics (formerly Invitae), Labcorp); PubMed 26920127 (cited by Labcorp Genetics (formerly Invitae), Labcorp); PubMed 28381550 (cited by Labcorp Genetics (formerly Invitae), Labcorp); PubMed 29254190 (cited by Labcorp Genetics (formerly Invitae), Labcorp).